The following is an entry in ClinVar:

NM_001277115.2(DNAH11):c.6307C>T (p.Pro2103Ser)

Gene: DNAH11 (dynein axonemal heavy chain 11; plus strand). Cytogenetic location: 7p15.3.
Variant type: single nucleotide variant.
Coding change: c.6307C>T on transcript NM_001277115.2 (MANE Select); coding-DNA position 6307, C replaced by T.
Protein change: p.Pro2103Ser; replaces proline 2103 with serine.
Molecular consequence: missense variant.
Genome position (GRCh38, 1-based): chr7:21,704,467, C>T. VCF-style: chr7-21704467-C-T. GRCh37 (hg19) VCF-style: chr7-21744085-C-T.
Other names: short protein forms P2103S.
Identifiers: ClinVar variation 3666855 (VCV003666855.2).

ClinVar aggregate classification (germline): Uncertain significance (1 of 4 stars; one submission).

Conditions:
Primary ciliary dyskinesia. Also called: Ciliary dyskinesia. Identifiers: Orphanet 244, MedGen C0008780, MONDO:0016575, HP:0012265.

Submission:

Labcorp Genetics (formerly Invitae), Labcorp
Classification: Uncertain significance for Primary ciliary dyskinesia. Last evaluated: 2024-02-13. Review status: criteria provided, single submitter. Criteria: Invitae Variant Classification Sherloc (09022015). Collection method: clinical testing. Allele origin: germline.
Comment: This sequence change replaces proline, which is neutral and non-polar, with serine, which is neutral and polar, at codon 2103 of the DNAH11 protein (p.Pro2103Ser). This variant is not present in population databases (gnomAD no frequency). This variant has not been reported in the literature in individuals affected with DNAH11-related conditions. Advanced modeling of protein sequence and biophysical properties (such as structural, functional, and spatial information, amino acid conservation, physicochemical variation, residue mobility, and thermodynamic stability) performed at Invitae indicates that this missense variant is not expected to disrupt DNAH11 protein function with a negative predictive value of 95%. In summary, the available evidence is currently insufficient to determine the role of this variant in disease. Therefore, it has been classified as a Variant of Uncertain Significance.